The following is an entry in ClinVar:

NM_003737.4(DCHS1):c.9569C>T (p.Ala3190Val)

Gene: DCHS1 (dachsous cadherin-related 1; minus strand). Cytogenetic location: 11p15.4.
Variant type: single nucleotide variant.
Coding change: c.9569C>T on transcript NM_003737.4 (MANE Select); coding-DNA position 9569, C replaced by T.
Protein change: p.Ala3190Val; replaces alanine 3190 with valine.
Molecular consequence: missense variant.
Genome position (GRCh38, 1-based): chr11:6,622,107, G>A on the plus strand (C>T on the coding strand, the complement: DCHS1 is on the minus strand). VCF-style: chr11-6622107-G-A. GRCh37 (hg19) VCF-style: chr11-6643338-G-A.
Other names: short protein forms A3190V.
Identifiers: ClinVar variation 4767191 (VCV004767191.1).

ClinVar aggregate classification (germline): Uncertain significance (1 of 4 stars; one submission).

gnomAD v4.1: 26 of 1,613,294 alleles (0.0016%); highest among the groups gnomAD compares: Admixed American, 0.0033%; no homozygotes.

Submission:

Labcorp Genetics (formerly Invitae), Labcorp
Classification: Uncertain significance. Last evaluated: 2025-05-01. Review status: criteria provided, single submitter. Criteria: Invitae Variant Classification Sherloc (09022015). Collection method: clinical testing. Allele origin: germline.
Comment: This sequence change replaces alanine, which is neutral and non-polar, with valine, which is neutral and non-polar, at codon 3190 of the DCHS1 protein (p.Ala3190Val). This variant is present in population databases (rs763987147, gnomAD 0.003%). This variant has not been reported in the literature in individuals affected with DCHS1-related conditions. Invitae Evidence Modeling of protein sequence and biophysical properties (such as structural, functional, and spatial information, amino acid conservation, physicochemical variation, residue mobility, and thermodynamic stability) indicates that this missense variant is not expected to disrupt DCHS1 protein function with a negative predictive value of 95%. In summary, the available evidence is currently insufficient to determine the role of this variant in disease. Therefore, it has been classified as a Variant of Uncertain Significance.